The following is an entry in ClinVar:

ClinVar aggregate classification (germline): Likely pathogenic (1 of 4 stars; one submission).

Submission:

Labcorp Genetics (formerly Invitae), Labcorp
Classification: Likely pathogenic. Last evaluated: 2024-10-16. Review status: criteria provided, single submitter. Criteria: Invitae Variant Classification Sherloc (09022015). Collection method: clinical testing. Allele origin: germline.
Comment: This sequence change replaces cysteine, which is neutral and slightly polar, with tyrosine, which is neutral and polar, at codon 1967 of the ABCA4 protein (p.Cys1967Tyr). This variant is not present in population databases (gnomAD no frequency). This missense change has been observed in individual(s) with Stargardt disease (internal data). ClinVar contains an entry for this variant (Variation ID: 1468145). An algorithm developed to predict the effect of missense changes on protein structure and function (PolyPhen-2) suggests that this variant is likely to be disruptive. This variant disrupts the p.Cys1967 amino acid residue in ABCA4. Other variant(s) that disrupt this residue have been determined to be pathogenic (PMID: 32619608). This suggests that this residue is clinically significant, and that variants that disrupt this residue are likely to be disease-causing. In summary, the currently available evidence indicates that the variant is pathogenic, but additional data are needed to prove that conclusively. Therefore, this variant has been classified as Likely Pathogenic.

Literature cited by the submitters: PubMed 32619608.

NM_000350.3(ABCA4):c.5900G>A (p.Cys1967Tyr)

Gene: ABCA4 (ATP binding cassette subfamily A member 4; minus strand). Cytogenetic location: 1p22.1.
Variant type: single nucleotide variant.
Coding change: c.5900G>A on transcript NM_000350.3 (MANE Select); coding-DNA position 5900, G replaced by A.
Protein change: p.Cys1967Tyr; replaces cysteine 1967 with tyrosine.
Molecular consequence: missense variant.
Genome position (GRCh38, 1-based): chr1:94,007,739, C>T on the plus strand (G>A on the coding strand, the complement: ABCA4 is on the minus strand). VCF-style: chr1-94007739-C-T. GRCh37 (hg19) VCF-style: chr1-94473295-C-T.
Other names: c.5678G>A, p.Cys1893Tyr (NM_001425324.1); short protein forms C1967Y, C1893Y.
Identifiers: ClinVar variation 1468145 (VCV001468145.8), dbSNP rs2101003456, ClinGen allele CA341279750.